The following is an entry in ClinVar:

NM_004366.6(CLCN2):c.1517C>T (p.Ala506Val)

Gene: CLCN2 (chloride voltage-gated channel 2; minus strand). Cytogenetic location: 3q27.1.
Variant type: single nucleotide variant.
Coding change: c.1517C>T on transcript NM_004366.6 (MANE Select); coding-DNA position 1517, C replaced by T.
Protein change: p.Ala506Val; replaces alanine 506 with valine.
Molecular consequence: missense variant.
Genome position (GRCh38, 1-based): chr3:184,354,305, G>A on the plus strand (C>T on the coding strand, the complement: CLCN2 is on the minus strand). VCF-style: chr3-184354305-G-A. GRCh37 (hg19) VCF-style: chr3-184072093-G-A.
Other names: c.1517C>T (NM_004366.5); c.1466C>T, p.Ala489Val (NM_001171087.3); c.1385C>T, p.Ala462Val (NM_001171088.3); c.1517C>T, p.Ala506Val (NM_001171089.3); short protein forms A462V, A489V, A506V.
Identifiers: ClinVar variation 1208813 (VCV001208813.10), dbSNP rs769768770, ClinGen allele CA2734054.

ClinVar aggregate classification (germline): Uncertain significance. Review status: criteria provided, multiple submitters, no conflicts (2 of 4 stars). 5 submissions from 5 submitters: Uncertain significance (4). 1 of the submissions does not count toward it. Last evaluated 2025-03-31.

Conditions:
CLCN2-related disorder. Also called: CLCN2-related condition; CLCN2-related disorders.
Familial hyperaldosteronism type II. Also called: FH II. Identifiers: Orphanet 404, MedGen C1854107, MONDO:0011576, OMIM 605635.
Leukoencephalopathy with mild cerebellar ataxia and white matter edema (LKPAT). Also called: Leukoencephalopathy with ataxia; Leukoencephalopathy with white matter edema; Brain white matter edema; CLCN2-Related Leukoencephalopathy. Identifiers: Orphanet 363540, MedGen C4554120, MONDO:0014292, OMIM 615651. Disease mechanism: loss of function.
Epilepsy, idiopathic generalized, susceptibility to, 11 (EIG11). Identifiers: Orphanet 307, MedGen C2750893, MONDO:0011875, OMIM 607628.
Inborn genetic diseases. Identifiers: MedGen C0950123, MeSH D030342.

Allele frequency attached by ClinVar (database versions not stated): gnomAD exomes below 0.00001 and 0.00001; ExAC 0.00001; gnomAD 0.00005.
gnomAD v4.1: 23 of 1,612,912 alleles (0.0014%); highest among the groups gnomAD compares: African/African-American, 0.0027%; no homozygotes.

Submissions (5):

Labcorp Genetics (formerly Invitae), Labcorp
Classification: Uncertain significance. Last evaluated: 2025-03-31. Review status: criteria provided, single submitter. Criteria: Invitae Variant Classification Sherloc (09022015). Collection method: clinical testing. Allele origin: germline.
Comment: This sequence change replaces alanine, which is neutral and non-polar, with valine, which is neutral and non-polar, at codon 506 of the CLCN2 protein (p.Ala506Val). This variant is present in population databases (rs769768770, gnomAD 0.0009%). This variant has not been reported in the literature in individuals affected with CLCN2-related conditions. ClinVar contains an entry for this variant (Variation ID: 1208813). Invitae Evidence Modeling of protein sequence and biophysical properties (such as structural, functional, and spatial information, amino acid conservation, physicochemical variation, residue mobility, and thermodynamic stability) indicates that this missense variant is expected to disrupt CLCN2 protein function with a positive predictive value of 80%. In summary, the available evidence is currently insufficient to determine the role of this variant in disease. Therefore, it has been classified as a Variant of Uncertain Significance.

Ambry Genetics
Classification: Uncertain significance for Inborn genetic diseases. Last evaluated: 2023-12-17. Review status: criteria provided, single submitter. Criteria: Ambry Variant Classification Scheme 2023. Collection method: clinical testing. Allele origin: germline.

Fulgent Genetics
Classification: Uncertain significance for Familial hyperaldosteronism type II; Epilepsy, idiopathic generalized, susceptibility to, 11; Leukoencephalopathy with mild cerebellar ataxia and white matter edema. Last evaluated: 2021-10-01. Review status: criteria provided, single submitter. Criteria: ACMG Guidelines, 2015. Collection method: clinical testing. Allele origin: unknown.

GeneDx
Classification: Uncertain significance. Last evaluated: 2020-07-22. Review status: criteria provided, single submitter. Criteria: GeneDx Variant Classification Process June 2021. Collection method: clinical testing. Allele origin: germline. Affected: yes.
Comment: Not observed at a significant frequency in large population cohorts (Lek et al., 2016); In silico analysis supports that this missense variant has a deleterious effect on protein structure/function; Has not been previously published as pathogenic or benign to our knowledge

PreventionGenetics, part of Exact Sciences
Classification: Uncertain significance for CLCN2-related condition. Last evaluated: 2024-02-11. Review status: no assertion criteria provided. Collection method: clinical testing. Allele origin: germline. Not counted in ClinVar's aggregate classification.
Comment: The CLCN2 c.1517C>T variant is predicted to result in the amino acid substitution p.Ala506Val. To our knowledge, this variant has not been reported in the literature. This variant is reported in 0.00090% of alleles in individuals of European (Non-Finnish) descent in gnomAD. At this time, the clinical significance of this variant is uncertain due to the absence of conclusive functional and genetic evidence.